The following is an entry in ClinVar:

NM_001105206.3(LAMA4):c.4984G>T (p.Glu1662Ter)

Gene: LAMA4 (laminin subunit alpha 4; minus strand). Cytogenetic location: 6q21.
Variant type: single nucleotide variant.
Coding change: c.4984G>T on transcript NM_001105206.3 (MANE Select); coding-DNA position 4984, G replaced by T.
Protein change: p.Glu1662Ter; replaces glutamic acid 1662 with a stop codon.
Molecular consequence: nonsense.
Genome position (GRCh38, 1-based): chr6:112,115,991, C>A on the plus strand (G>T on the coding strand, the complement: LAMA4 is on the minus strand). VCF-style: chr6-112115991-C-A. GRCh37 (hg19) VCF-style: chr6-112437194-C-A.
Other names: c.4963G>T, p.Glu1655Ter (NM_001105207.3, NM_002290.5); short protein forms E1655*, E1662*.
Identifiers: ClinVar variation 3666477 (VCV003666477.2).
Genomic context (GRCh38, chr6:112,115,991, plus strand): 5'-AACTGCTTCTGGGACGGACTTCAAATGCAATTTCAAACTTCAATCCAATATTGAAAGATT[C>A]ATCTGTGGAGAGAAACACTATAAACTCCCAAGAACAGCAAGATCATATTTGTAACTATGG-3'

ClinVar aggregate classification (germline): Uncertain significance (1 of 4 stars; one submission).

Conditions:
Dilated cardiomyopathy 1JJ (CMD1JJ). Identifiers: Orphanet 154, MedGen C3808935, MONDO:0014095, OMIM 615235.

Submission:

Labcorp Genetics (formerly Invitae), Labcorp
Classification: Uncertain significance for Dilated cardiomyopathy 1JJ. Last evaluated: 2024-09-08. Review status: criteria provided, single submitter. Criteria: Invitae Variant Classification Sherloc (09022015). Collection method: clinical testing. Allele origin: germline.
Comment: This sequence change creates a premature translational stop signal (p.Glu1655*) in the LAMA4 gene. It is expected to result in an absent or disrupted protein product. However, the current clinical and genetic evidence is not sufficient to establish whether loss-of-function variants in LAMA4 cause disease. This variant is not present in population databases (gnomAD no frequency). This variant has not been reported in the literature in individuals affected with LAMA4-related conditions. In summary, the available evidence is currently insufficient to determine the role of this variant in disease. Therefore, it has been classified as a Variant of Uncertain Significance.